The following is an entry in ClinVar:

ClinVar aggregate classification (germline): Uncertain significance (1 of 4 stars; one submission).

Conditions:
Inflammatory skin and bowel disease, neonatal, 1. Identifiers: Orphanet 294023, MedGen C3280501, MONDO:0013693, OMIM 614328.

Allele frequency attached by ClinVar (database versions not stated): gnomAD exomes below 0.00001; ExAC 0.00001; gnomAD 0.00001; TOPMed 0.00001.
gnomAD v4.1: 2 of 1,614,130 alleles (0.00012%); highest among the groups gnomAD compares: Non-Finnish European, 0.00017%; no homozygotes.

Submission:

Labcorp Genetics (formerly Invitae), Labcorp
Classification: Uncertain significance for Inflammatory skin and bowel disease, neonatal, 1. Last evaluated: 2022-05-17. Review status: criteria provided, single submitter. Criteria: Invitae Variant Classification Sherloc (09022015). Collection method: clinical testing. Allele origin: germline.
Comment: This variant has not been reported in the literature in individuals affected with ADAM17-related conditions. Algorithms developed to predict the effect of missense changes on protein structure and function are either unavailable or do not agree on the potential impact of this missense change (SIFT: "Not Available"; PolyPhen-2: "Possibly Damaging"; Align-GVGD: "Not Available"). In summary, the available evidence is currently insufficient to determine the role of this variant in disease. Therefore, it has been classified as a Variant of Uncertain Significance. This variant is present in population databases (rs752714332, gnomAD 0.0009%). This sequence change replaces valine, which is neutral and non-polar, with phenylalanine, which is neutral and non-polar, at codon 566 of the ADAM17 protein (p.Val566Phe).

NM_003183.6(ADAM17):c.1696G>T (p.Val566Phe)

Genes: ADAM17 (ADAM metallopeptidase domain 17; minus strand), IAH1 (isoamyl acetate hydrolyzing esterase 1 (putative); plus strand). Cytogenetic location: 2p25.1.
Variant type: single nucleotide variant.
Coding change: c.1696G>T on transcript NM_003183.6 (MANE Select); coding-DNA position 1696, G replaced by T.
Protein change: p.Val566Phe; replaces valine 566 with phenylalanine.
Molecular consequence: missense variant.
Genome position (GRCh38, 1-based): chr2:9,497,201, C>A on the plus strand (G>T on the coding strand, the complement: ADAM17 is on the minus strand). VCF-style: chr2-9497201-C-A. GRCh37 (hg19) VCF-style: chr2-9637330-C-A.
Other names: c.1036G>T, p.Val346Phe (NM_001382777.1); c.799G>T, p.Val267Phe (NM_001382778.1); short protein forms V346F, V267F, V566F.
Identifiers: ClinVar variation 1992062 (VCV001992062.2), dbSNP rs752714332, ClinGen allele CA1523430.